The following is an entry in ClinVar:

NM_017636.4(TRPM4):c.3557T>A (p.Leu1186Gln)

Gene: TRPM4 (transient receptor potential cation channel subfamily M member 4; plus strand). Cytogenetic location: 19q13.33.
Variant type: single nucleotide variant.
Coding change: c.3557T>A on transcript NM_017636.4 (MANE Select); coding-DNA position 3557, T replaced by A.
Protein change: p.Leu1186Gln; replaces leucine 1186 with glutamine.
Molecular consequence: missense variant.
Genome position (GRCh38, 1-based): chr19:49,211,186, T>A. VCF-style: chr19-49211186-T-A. GRCh37 (hg19) VCF-style: chr19-49714443-T-A.
Other names: c.3557T>A (NM_017636.3); c.3122T>A, p.Leu1041Gln (NM_001195227.2); c.3212T>A, p.Leu1071Gln (NM_001321281.2); c.1949T>A, p.Leu650Gln (NM_001321282.2); c.3035T>A, p.Leu1012Gln (NM_001321283.2); c.2495T>A, p.Leu832Gln (NM_001321285.2); short protein forms L650Q, L832Q, L1012Q, L1071Q, L1186Q, L1041Q.
Identifiers: ClinVar variation 2077624 (VCV002077624.5), dbSNP rs1568499565, ClinGen allele CA406773628.
Genomic context (GRCh38, chr19:49,211,186, plus strand): 5'-GTCCCATCTCCCGCTCTGACATTCCTCCCATTCCGCAGGTCCAGCAGTGTAGCCGCGTCC[T>A]GGGGTGGGTGGCCGAGGCCCTGAGCCGCTCTGCCTTGCTGCCCCCAGGTGGGCCGCCACC-3'
Protein context (NP_060106.2, residues 1176-1196): EREVQQCSRV[Leu1186Gln]GWVAEALSRS

ClinVar aggregate classification (germline): Uncertain significance. Review status: criteria provided, multiple submitters, no conflicts (2 of 4 stars). 2 submissions from 2 submitters: Uncertain significance (2). Last evaluated 2025-06-23.

Conditions:
Cardiovascular phenotype. Identifiers: MedGen CN230736.
Progressive familial heart block type IB (PFHB1B). Identifiers: Orphanet 871, MedGen C1970298, MONDO:0011474, OMIM 604559.

Allele frequency attached by ClinVar (database versions not stated): gnomAD exomes below 0.00001; TOPMed 0.00001.
gnomAD v4.1: 1 of 1,603,840 alleles (0.000062%); highest among the groups gnomAD compares: Admixed American, 0.0017%; no homozygotes.

Submissions (2):

Ambry Genetics
Classification: Uncertain significance for Cardiovascular phenotype. Last evaluated: 2025-06-23. Review status: criteria provided, single submitter. Criteria: Ambry Variant Classification Scheme 2023. Collection method: clinical testing. Allele origin: germline.
Comment: The p.L1186Q variant (also known as c.3557T>A), located in coding exon 24 of the TRPM4 gene, results from a T to A substitution at nucleotide position 3557. The leucine at codon 1186 is replaced by glutamine, an amino acid with dissimilar properties. This amino acid position is conserved. In addition, the in silico prediction for this alteration is inconclusive. Based on the available evidence, the clinical significance of this variant remains unclear.

Labcorp Genetics (formerly Invitae), Labcorp
Classification: Uncertain significance for Progressive familial heart block type IB. Last evaluated: 2022-04-06. Review status: criteria provided, single submitter. Criteria: Invitae Variant Classification Sherloc (09022015). Collection method: clinical testing. Allele origin: germline.
Comment: The frequency data for this variant in the population databases is considered unreliable, as metrics indicate poor data quality at this position in the gnomAD database. This sequence change replaces leucine, which is neutral and non-polar, with glutamine, which is neutral and polar, at codon 1186 of the TRPM4 protein (p.Leu1186Gln). This variant has not been reported in the literature in individuals affected with TRPM4-related conditions. Algorithms developed to predict the effect of missense changes on protein structure and function are either unavailable or do not agree on the potential impact of this missense change (SIFT: "Deleterious"; PolyPhen-2: "Probably Damaging"; Align-GVGD: "Class C0"). In summary, the available evidence is currently insufficient to determine the role of this variant in disease. Therefore, it has been classified as a Variant of Uncertain Significance.